The following is an entry in ClinVar:

NM_015662.3(IFT172):c.42T>C (p.Asp14=)

Gene: IFT172 (intraflagellar transport 172; minus strand). Cytogenetic location: 2p23.3.
Variant type: single nucleotide variant.
Coding change: c.42T>C on transcript NM_015662.3 (MANE Select); coding-DNA position 42, T replaced by C.
Protein change: p.Asp14=; no amino-acid change (aspartic acid 14 retained).
Molecular consequence: synonymous variant.
Genome position (GRCh38, 1-based): chr2:27,485,501, A>G on the plus strand (T>C on the coding strand, the complement: IFT172 is on the minus strand). VCF-style: chr2-27485501-A-G. GRCh37 (hg19) VCF-style: chr2-27708368-A-G.
Other names: c.42T>C (NM_015662.2).
Identifiers: ClinVar variation 1629154 (VCV001629154.9), dbSNP rs1668694687, ClinGen allele CA425609512.

ClinVar aggregate classification (germline): Likely benign. Review status: criteria provided, multiple submitters, no conflicts (2 of 4 stars). 2 submissions from 2 submitters: Likely benign (2). Last evaluated 2026-09-23.

Conditions:
Short-rib thoracic dysplasia 10 with or without polydactyly (SRTD10). Identifiers: Orphanet 474, MedGen C3810175, MONDO:0014284, OMIM 615630.
Retinitis pigmentosa 71 (RP71). Identifiers: Orphanet 791, MedGen C4225342, MONDO:0014618, OMIM 616394.
IFT172-related disorder. Also called: IFT172-related disorders; IFT172-related condition.

Allele frequency attached by ClinVar (database versions not stated): gnomAD exomes below 0.00001; gnomAD 0.00001; TOPMed 0.00002.
gnomAD v4.1: 5 of 1,613,748 alleles (0.00031%); highest among the groups gnomAD compares: African/African-American, 0.0067%; no homozygotes.

Submissions (2):

PreventionGenetics, part of Exact Sciences
Classification: Likely benign for IFT172-related condition. Last evaluated: 2026-09-23. Review status: criteria provided, single submitter. Criteria: ACMG Guidelines, 2015. Collection method: clinical testing. Allele origin: germline.
Comment: This variant is classified as likely benign based on ACMG/AMP sequence variant interpretation guidelines (Richards et al. 2015 PMID: 25741868, with internal and published modifications).

Labcorp Genetics (formerly Invitae), Labcorp
Classification: Likely benign for Retinitis pigmentosa 71; Short-rib thoracic dysplasia 10 with or without polydactyly. Last evaluated: 2024-05-06. Review status: criteria provided, single submitter. Criteria: Invitae Variant Classification Sherloc (09022015). Collection method: clinical testing. Allele origin: germline.